The following is an entry in ClinVar:

NM_001367561.1(DOCK7):c.3060G>A (p.Val1020=)

Gene: DOCK7 (dedicator of cytokinesis 7; minus strand). Cytogenetic location: 1p31.3.
Variant type: single nucleotide variant.
Coding change: c.3060G>A on transcript NM_001367561.1 (MANE Select); coding-DNA position 3060, G replaced by A.
Protein change: p.Val1020=; no amino-acid change (valine 1020 retained).
Molecular consequence: synonymous variant.
Genome position (GRCh38, 1-based): chr1:62,539,878, C>T on the plus strand (G>A on the coding strand, the complement: DOCK7 is on the minus strand). VCF-style: chr1-62539878-C-T. GRCh37 (hg19) VCF-style: chr1-63005549-C-T.
Other names: c.3060G>A, p.Val1020= (NM_001271999.2, NM_001330614.2); c.2967G>A, p.Val989= (NM_001272000.2, NM_001272001.2, NM_033407.4).
Identifiers: ClinVar variation 2638864 (VCV002638864.24), dbSNP rs2524784452, ClinGen allele CA418005715.
Genomic context (GRCh38, chr1:62,539,878, plus strand): 5'-ACGTTCTGGAAAACGACTTTTCCTTGGAGCCTCAAGTTTATCATTAAAGTATAAATGGTG[C>T]ACCATGCTCTTTACCTGAAAAAAAGATATAAATTATTAATTTCCTATGAATATATTTAAC-3'
Protein context (NP_001354490.1, residues 1010-1030): FFFELMVKSM[Val1020=]HHLYFNDKLE

ClinVar aggregate classification (germline): Likely benign (1 of 4 stars; one submission).

gnomAD v4.1: 1 of 1,599,020 alleles (0.000063%); no homozygotes.

Submission:

CeGaT Center for Human Genetics Tuebingen
Classification: Likely benign. Last evaluated: 2023-03-01. Review status: criteria provided, single submitter. Criteria: CeGaT Center For Human Genetics Tuebingen Variant Classification Criteria Version 2. Collection method: clinical testing. Allele origin: germline. Affected: yes. Observed: 1 variant allele.
Comment: DOCK7: PM2:Supporting, BP4, BP7